The following is an entry in ClinVar:

NM_003718.5(CDK13):c.751A>G (p.Ser251Gly)

Gene: CDK13 (cyclin dependent kinase 13; plus strand). Cytogenetic location: 7p14.1.
Variant type: single nucleotide variant.
Coding change: c.751A>G on transcript NM_003718.5 (MANE Select); coding-DNA position 751, A replaced by G.
Protein change: p.Ser251Gly; replaces serine 251 with glycine.
Molecular consequence: missense variant.
Genome position (GRCh38, 1-based): chr7:39,951,392, A>G. VCF-style: chr7-39951392-A-G. GRCh37 (hg19) VCF-style: chr7-39990991-A-G.
Other names: c.751A>G, p.Ser251Gly (NM_031267.4); short protein forms S251G.
Identifiers: ClinVar variation 1977436 (VCV001977436.5), dbSNP rs1583893167, ClinGen allele CA367310406.
Genomic context (GRCh38, chr7:39,951,392, plus strand): 5'-TCCCGCAGCCGCCACAGCCACAGCGGCGAGGAACGGGCCGAGGTCGCCAAGAGCGGCAGC[A>G]GCAGCAGCAGCGGCGGCCGCCGGAAAAGCGCTTCGGCCACATCCAGCAGCAGTAGCAGCC-3'
Protein context (NP_003709.3, residues 241-261): ERAEVAKSGS[Ser251Gly]SSSGGRRKSA

ClinVar aggregate classification (germline): Uncertain significance (1 of 4 stars; one submission).

Allele frequency attached by ClinVar (database versions not stated): gnomAD exomes below 0.00001.
gnomAD v4.1: 4 of 1,524,364 alleles (0.00026%); highest among the groups gnomAD compares: Non-Finnish European, 0.00035%; no homozygotes.

Submission:

Labcorp Genetics (formerly Invitae), Labcorp
Classification: Uncertain significance. Last evaluated: 2022-08-31. Review status: criteria provided, single submitter. Criteria: Invitae Variant Classification Sherloc (09022015). Collection method: clinical testing. Allele origin: germline.
Comment: This sequence change replaces serine, which is neutral and polar, with glycine, which is neutral and non-polar, at codon 251 of the CDK13 protein (p.Ser251Gly). This variant is not present in population databases (gnomAD no frequency). This variant has not been reported in the literature in individuals affected with CDK13-related conditions. Advanced modeling of protein sequence and biophysical properties (such as structural, functional, and spatial information, amino acid conservation, physicochemical variation, residue mobility, and thermodynamic stability) performed at Invitae indicates that this missense variant is not expected to disrupt CDK13 protein function. In summary, the available evidence is currently insufficient to determine the role of this variant in disease. Therefore, it has been classified as a Variant of Uncertain Significance.